The following is an entry in ClinVar:

ClinVar aggregate classification (germline): Uncertain significance (1 of 4 stars; one submission).

Conditions:
Atrioventricular septal defect 5 (AVSD5). Identifiers: MedGen C3280939, MONDO:0013769, OMIM 614474.

gnomAD v4.1: 1 of 1,286,250 alleles (0.000078%); highest among the groups gnomAD compares: Middle Eastern, 0.03%; no homozygotes.

Submission:

Labcorp Genetics (formerly Invitae), Labcorp
Classification: Uncertain significance for Atrioventricular septal defect 5. Last evaluated: 2024-05-31. Review status: criteria provided, single submitter. Criteria: Invitae Variant Classification Sherloc (09022015). Collection method: clinical testing. Allele origin: germline.
Comment: This sequence change replaces glycine, which is neutral and non-polar, with cysteine, which is neutral and slightly polar, at codon 224 of the GATA6 protein (p.Gly224Cys). This variant is not present in population databases (gnomAD no frequency). This variant has not been reported in the literature in individuals affected with GATA6-related conditions. Advanced modeling of protein sequence and biophysical properties (such as structural, functional, and spatial information, amino acid conservation, physicochemical variation, residue mobility, and thermodynamic stability) has been performed at Invitae for this missense variant, however the output from this modeling did not meet the statistical confidence thresholds required to predict the impact of this variant on GATA6 protein function. In summary, the available evidence is currently insufficient to determine the role of this variant in disease. Therefore, it has been classified as a Variant of Uncertain Significance.

NM_005257.6(GATA6):c.670G>T (p.Gly224Cys)

Gene: GATA6 (GATA binding protein 6; plus strand). Cytogenetic location: 18q11.2.
Variant type: single nucleotide variant.
Coding change: c.670G>T on transcript NM_005257.6 (MANE Select); coding-DNA position 670, G replaced by T.
Protein change: p.Gly224Cys; replaces glycine 224 with cysteine.
Molecular consequence: missense variant.
Genome position (GRCh38, 1-based): chr18:22,171,814, G>T. VCF-style: chr18-22171814-G-T. GRCh37 (hg19) VCF-style: chr18-19751775-G-T.
Other names: short protein forms G224C.
Identifiers: ClinVar variation 3655126 (VCV003655126.2).